The following continues an entry in ClinVar:

NM_000059.4(BRCA2):c.2245A>G (p.Ser749Gly)

Gene: BRCA2. ClinVar aggregate classification (germline): Conflicting classifications of pathogenicity. Uncertain significance (9); Likely benign (2).

Submissions 8 to 14 of 14:

University of Washington Department of Laboratory Medicine, University of Washington
Classification: Likely benign for Hereditary cancer-predisposing syndrome. Last evaluated: 2023-03-23. Review status: criteria provided, single submitter. Criteria: Dines et al. (Genet Med. 2020). Collection method: curation. Allele origin: germline.
Comment: Missense variant in a coldspot region where missense variants are very unlikely to be pathogenic (PMID:31911673).

BRCA2 exon 11 coldspot. Reclassification based on statistical prior probability.

GeneDx
Classification: Uncertain significance. Last evaluated: 2022-08-29. Review status: criteria provided, single submitter. Criteria: GeneDx Variant Classification Process June 2021. Collection method: clinical testing. Allele origin: germline. Affected: yes.
Comment: Not observed at significant frequency in large population cohorts (gnomAD); In silico analysis supports that this missense variant does not alter protein structure/function; Also known as 2473A>G; This variant is associated with the following publications: (PMID: 26689913, 25348012, 10923033, 32426482)

Mendelics
Classification: Uncertain significance. Last evaluated: 2022-05-04. Review status: criteria provided, single submitter. Criteria: Mendelics Assertion Criteria 2019. Collection method: clinical testing. Allele origin: germline.

Fulgent Genetics
Classification: Uncertain significance for Familial cancer of breast; Medulloblastoma; Familial prostate cancer; Wilms tumor 1; Fanconi anemia complementation group D1; Breast-ovarian cancer, familial, susceptibility to, 2; Glioma susceptibility 3; Pancreatic cancer, susceptibility to, 2. Last evaluated: 2022-03-23. Review status: criteria provided, single submitter. Criteria: ACMG Guidelines, 2015. Collection method: clinical testing. Allele origin: unknown.

Breast Cancer Information Core (BIC) (BRCA2)
Classification: Uncertain significance for Breast-ovarian cancer, familial 2. Last evaluated: 2003-12-23. Review status: no assertion criteria provided. Collection method: clinical testing. Allele origin: germline. Affected: yes. Observed: 3 variant alleles. Not counted in ClinVar's aggregate classification.

Clinical Genetics DNA and cytogenetics Diagnostics Lab, Erasmus MC, Erasmus Medical Center
Classification: Likely benign. Review status: no assertion criteria provided. Collection method: clinical testing. Allele origin: germline. Affected: yes. Study: VKGL Data-share Consensus. Not counted in ClinVar's aggregate classification.

Joint Genome Diagnostic Labs from Nijmegen and Maastricht, Radboudumc and MUMC+
Classification: Likely benign. Review status: no assertion criteria provided. Collection method: clinical testing. Allele origin: germline. Affected: yes. Study: VKGL Data-share Consensus. Not counted in ClinVar's aggregate classification.

Literature cited by the submitters: PubMed 25348012 (cited by Labcorp Genetics (formerly Invitae), Labcorp); PubMed 26689913 (cited by 5 submitters); PubMed 32426482 (cited by 4 submitters); PubMed 31853058 (cited by Quest Diagnostics Nichols Institute San Juan Capistrano); PubMed 33471991 (cited by 3 submitters); PubMed 38153744 (cited by Quest Diagnostics Nichols Institute San Juan Capistrano); PubMed 33113089 (cited by 5 submitters); PubMed 31911673 (cited by Quest Diagnostics Nichols Institute San Juan Capistrano).